The following is an entry in ClinVar:

ClinVar aggregate classification (germline): Uncertain significance. Review status: criteria provided, multiple submitters, no conflicts (2 of 4 stars). 6 submissions from 6 submitters: Uncertain significance (6). Last evaluated 2025-10-27.

Conditions:
Myopathy, proximal, and ophthalmoplegia (CMYO6). Also called: MYOPATHY WITH CONGENITAL JOINT CONTRACTURES, OPHTHALMOPLEGIA, AND RIMMED VACUOLES; CONGENITAL MYOPATHY 6 WITH OPHTHALMOPLEGIA; INCLUSION BODY MYOPATHY 3, AUTOSOMAL DOMINANT. Identifiers: Orphanet 363677, Orphanet 79091, MedGen C1854106, MONDO:0011577, OMIM 605637.

Allele frequency attached by ClinVar (database versions not stated): ExAC 0.00012; TOPMed 0.00018; ESP Exome Variant Server 0.00023.
gnomAD v4.1: 344 of 1,614,204 alleles (0.021%); highest among the groups gnomAD compares: Middle Eastern, 0.21%; 1 homozygote.

Submissions (6):

Labcorp Genetics (formerly Invitae), Labcorp
Classification: Uncertain significance for Myopathy, proximal, and ophthalmoplegia. Last evaluated: 2025-10-27. Review status: criteria provided, single submitter. Criteria: Invitae Variant Classification Sherloc (09022015). Collection method: clinical testing. Allele origin: germline.
Comment: This sequence change replaces alanine, which is neutral and non-polar, with threonine, which is neutral and polar, at codon 1708 of the MYH2 protein (p.Ala1708Thr). This variant is present in population databases (rs147813930, gnomAD 0.02%). This variant has not been reported in the literature in individuals affected with MYH2-related conditions. ClinVar contains an entry for this variant (Variation ID: 445951). Invitae Evidence Modeling of protein sequence and biophysical properties (such as structural, functional, and spatial information, amino acid conservation, physicochemical variation, residue mobility, and thermodynamic stability) indicates that this missense variant is not expected to disrupt MYH2 protein function with a negative predictive value of 80%. In summary, the available evidence is currently insufficient to determine the role of this variant in disease. Therefore, it has been classified as a Variant of Uncertain Significance.

Revvity Omics, Revvity
Classification: Uncertain significance for Myopathy, proximal, and ophthalmoplegia. Last evaluated: 2024-04-24. Review status: criteria provided, single submitter. Criteria: ACMG Guidelines, 2015. Collection method: clinical testing. Allele origin: germline.

Department of Pathology and Laboratory Medicine, Sinai Health System
Classification: Uncertain significance for Myopathy, proximal, and ophthalmoplegia. Last evaluated: 2021-08-12. Review status: criteria provided, single submitter. Criteria: ACMG Guidelines, 2015. Collection method: research. Allele origin: germline.

Fulgent Genetics
Classification: Uncertain significance for Myopathy, proximal, and ophthalmoplegia. Last evaluated: 2018-10-31. Review status: criteria provided, single submitter. Criteria: ACMG Guidelines, 2015. Collection method: clinical testing. Allele origin: unknown.

Center for Pediatric Genomic Medicine, Children's Mercy Hospital and Clinics
Classification: Uncertain significance. Last evaluated: 2017-06-26. Review status: criteria provided, single submitter. Criteria: ACMG Guidelines, 2015. Collection method: clinical testing. Allele origin: germline.

Breakthrough Genomics
Classification: Uncertain significance. Review status: criteria provided, single submitter. Criteria: ACMG Guidelines, 2015. Collection method: not provided. Allele origin: germline. Inheritance: Autosomal recessive inheritance. Affected: yes.

NM_017534.6(MYH2):c.5122G>A (p.Ala1708Thr)

Genes: MYH2 (myosin heavy chain 2; minus strand), MYHAS (myosin heavy chain gene cluster antisense RNA; plus strand), LOC126862500 (BRD4-independent group 4 enhancer GRCh37_chr17:10427829-10429028; plus strand). Cytogenetic location: 17p13.1.
Variant type: single nucleotide variant.
Coding change: c.5122G>A on transcript NM_017534.6 (MANE Select); coding-DNA position 5122, G replaced by A.
Protein change: p.Ala1708Thr; replaces alanine 1708 with threonine.
Molecular consequence: missense variant.
Genome position (GRCh38, 1-based): chr17:10,524,519, C>T on the plus strand (G>A on the coding strand, the complement: MYH2 is on the minus strand). VCF-style: chr17-10524519-C-T. GRCh37 (hg19) VCF-style: chr17-10427836-C-T.
Other names: c.5122G>A, p.Ala1708Thr (NM_001100112.2); short protein forms A1708T.
Identifiers: ClinVar variation 445951 (VCV000445951.21), dbSNP rs147813930, ClinGen allele CA8390487.